The following is an entry in ClinVar:

NC_000022.10:g.(?_26388309)_(26388479_?)del

Gene: MYO18B (myosin XVIIIB; plus strand). Cytogenetic location: 22q12.1.
Variant type: Deletion.
Identifiers: ClinVar variation 1441547 (VCV001441547.5).

ClinVar aggregate classification (germline): Pathogenic (1 of 4 stars; one submission).

Submission:

Labcorp Genetics (formerly Invitae), Labcorp
Classification: Pathogenic. Last evaluated: 2022-10-03. Review status: criteria provided, single submitter. Criteria: Invitae Variant Classification Sherloc (09022015). Collection method: clinical testing. Allele origin: germline.
Comment: For these reasons, this variant has been classified as Pathogenic. This variant has not been reported in the literature in individuals affected with MYO18B-related conditions. This variant is a gross deletion of the genomic region encompassing exon(s) 40 of the MYO18B gene. This deletion is out-of-frame, and is expected to create a premature termination codon and result in an absent or disrupted protein product. Loss-of-function variants in MYO18B are known to be pathogenic (PMID: 25748484, 32184166, 32637634).

Literature cited by the submitters: PubMed 25748484; PubMed 32184166; PubMed 32637634.